The following is an entry in ClinVar:

ClinVar aggregate classification (germline): Uncertain significance. Review status: criteria provided, multiple submitters, no conflicts (2 of 4 stars). 2 submissions from 2 submitters: Uncertain significance (2). Last evaluated 2025-09-02.

Conditions:
Cardiovascular phenotype. Identifiers: MedGen CN230736.
Dilated cardiomyopathy 1HH (CMD1HH). Identifiers: Orphanet 154, MedGen C3151293, MONDO:0013479, OMIM 613881.
Myofibrillar myopathy 6. Identifiers: Orphanet 199340, MedGen C2751831, MONDO:0013061, OMIM 612954.

Allele frequency attached by ClinVar (database versions not stated): gnomAD exomes below 0.00001; TOPMed below 0.00001; ExAC 0.00001; gnomAD 0.00001.

Submissions (2):

Labcorp Genetics (formerly Invitae), Labcorp
Classification: Uncertain significance for Dilated cardiomyopathy 1HH; Myofibrillar myopathy 6. Last evaluated: 2025-09-02. Review status: criteria provided, single submitter. Criteria: Invitae Variant Classification Sherloc (09022015). Collection method: clinical testing. Allele origin: germline.
Comment: This sequence change replaces glutamic acid, which is acidic and polar, with lysine, which is basic and polar, at codon 430 of the BAG3 protein (p.Glu430Lys). This variant is present in population databases (rs774713887, gnomAD 0.0009%). This variant has not been reported in the literature in individuals affected with BAG3-related conditions. ClinVar contains an entry for this variant (Variation ID: 239786). Invitae Evidence Modeling of protein sequence and biophysical properties (such as structural, functional, and spatial information, amino acid conservation, physicochemical variation, residue mobility, and thermodynamic stability) indicates that this missense variant is not expected to disrupt BAG3 protein function with a negative predictive value of 80%. In summary, the available evidence is currently insufficient to determine the role of this variant in disease. Therefore, it has been classified as a Variant of Uncertain Significance.

Ambry Genetics
Classification: Uncertain significance for Cardiovascular phenotype. Last evaluated: 2024-04-19. Review status: criteria provided, single submitter. Criteria: Ambry Variant Classification Scheme 2023. Collection method: clinical testing. Allele origin: germline.
Comment: The p.E430K variant (also known as c.1288G>A), located in coding exon 4 of the BAG3 gene, results from a G to A substitution at nucleotide position 1288. The glutamic acid at codon 430 is replaced by lysine, an amino acid with similar properties. This amino acid position is not well conserved in available vertebrate species. In addition, the in silico prediction for this alteration is inconclusive. Since supporting evidence is limited at this time, the clinical significance of this alteration remains unclear.

NM_004281.4(BAG3):c.1288G>A (p.Glu430Lys)

Gene: BAG3 (BAG cochaperone 3; plus strand). Cytogenetic location: 10q26.11.
Variant type: single nucleotide variant.
Coding change: c.1288G>A on transcript NM_004281.4 (MANE Select); coding-DNA position 1288, G replaced by A.
Protein change: p.Glu430Lys; replaces glutamic acid 430 with lysine.
Molecular consequence: missense variant.
Genome position (GRCh38, 1-based): chr10:119,676,842, G>A. VCF-style: chr10-119676842-G-A. GRCh37 (hg19) VCF-style: chr10-121436354-G-A.
Other names: short protein forms E430K.
Identifiers: ClinVar variation 239786 (VCV000239786.10), dbSNP rs774713887, ClinGen allele CA5716528.